The following is an entry in ClinVar:

ClinVar aggregate classification (germline): Uncertain significance (1 of 4 stars; one submission).

gnomAD v4.1: 1 of 1,614,056 alleles (0.000062%); highest among the groups gnomAD compares: Non-Finnish European, 0.000085%; no homozygotes.

Submission:

Women's Health and Genetics/Laboratory Corporation of America, LabCorp
Classification: Uncertain significance. Last evaluated: 2025-04-02. Review status: criteria provided, single submitter. Criteria: LabCorp Variant Classification Summary - May 2015. Collection method: clinical testing. Allele origin: germline.
Comment: Variant summary: COL1A2 c.37C>T (p.Leu13Phe) results in a non-conservative amino acid change in the encoded protein sequence. Five of five in-silico tools predict a damaging effect of the variant on protein function. The variant was absent in 251438 control chromosomes (gnomAD). The available data on variant occurrences in the general population are insufficient to allow any conclusion about variant significance. To our knowledge, no occurrence of c.37C>T in individuals affected with Ehlers-Danlos syndrome, cardiac valvular type and no experimental evidence demonstrating its impact on protein function have been reported. No submitters have cited clinical-significance assessments for this variant to ClinVar. Based on the evidence outlined above, the variant was classified as uncertain significance.

NM_000089.4(COL1A2):c.37C>T (p.Leu13Phe)

Gene: COL1A2 (collagen type I alpha 2 chain; plus strand). Cytogenetic location: 7q21.3.
Variant type: single nucleotide variant.
Coding change: c.37C>T on transcript NM_000089.4 (MANE Select); coding-DNA position 37, C replaced by T.
Protein change: p.Leu13Phe; replaces leucine 13 with phenylalanine.
Molecular consequence: missense variant.
Genome position (GRCh38, 1-based): chr7:94,395,068, C>T. VCF-style: chr7-94395068-C-T. GRCh37 (hg19) VCF-style: chr7-94024380-C-T.
Other names: short protein forms L13F.
Identifiers: ClinVar variation 3896546 (VCV003896546.2).